The following is an entry in ClinVar:

ClinVar aggregate classification (germline): Uncertain significance (1 of 4 stars; one submission).

Conditions:
Developmental and epileptic encephalopathy, 12 (DEE12). Identifiers: MedGen C3150988, MONDO:0013389, OMIM 613722.

Allele frequency attached by ClinVar (database versions not stated): TOPMed below 0.00001; gnomAD 0.00001.
gnomAD v4.1: 13 of 1,613,204 alleles (0.00081%); highest among the groups gnomAD compares: South Asian, 0.0022%; no homozygotes.

Submission:

Labcorp Genetics (formerly Invitae), Labcorp
Classification: Uncertain significance for Developmental and epileptic encephalopathy, 12. Last evaluated: 2022-03-15. Review status: criteria provided, single submitter. Criteria: Invitae Variant Classification Sherloc (09022015). Collection method: clinical testing. Allele origin: germline.
Comment: This sequence change replaces threonine, which is neutral and polar, with methionine, which is neutral and non-polar, at codon 989 of the PLCB1 protein (p.Thr989Met). This variant is not present in population databases (gnomAD no frequency). This variant has not been reported in the literature in individuals affected with PLCB1-related conditions. Algorithms developed to predict the effect of missense changes on protein structure and function output the following: SIFT: "Deleterious"; PolyPhen-2: "Benign"; Align-GVGD: "Class C0". The methionine amino acid residue is found in multiple mammalian species, which suggests that this missense change does not adversely affect protein function. In summary, the available evidence is currently insufficient to determine the role of this variant in disease. Therefore, it has been classified as a Variant of Uncertain Significance.

NM_015192.4(PLCB1):c.2966C>T (p.Thr989Met)

Gene: PLCB1 (phospholipase C beta 1; plus strand). Cytogenetic location: 20p12.3.
Variant type: single nucleotide variant.
Coding change: c.2966C>T on transcript NM_015192.4 (MANE Select); coding-DNA position 2966, C replaced by T.
Protein change: p.Thr989Met; replaces threonine 989 with methionine.
Molecular consequence: missense variant.
Genome position (GRCh38, 1-based): chr20:8,774,574, C>T. VCF-style: chr20-8774574-C-T. GRCh37 (hg19) VCF-style: chr20-8755221-C-T.
Other names: c.2966C>T, p.Thr989Met (NM_182734.3); short protein forms T989M.
Identifiers: ClinVar variation 1933307 (VCV001933307.5), dbSNP rs1982851592, ClinGen allele CA408209079.